The following is an entry in ClinVar:

NM_000268.4(NF2):c.1739T>A (p.Leu580His)

Gene: NF2 (NF2, moesin-ezrin-radixin like (MERLIN) tumor suppressor; plus strand). Cytogenetic location: 22q12.2.
Variant type: single nucleotide variant.
Coding change: c.1739T>A on transcript NM_000268.4 (MANE Select); coding-DNA position 1739, T replaced by A.
Protein change: p.Leu580His; replaces leucine 580 with histidine.
Molecular consequence: missense variant. On other transcripts: 3 prime UTR variant (11), non-coding transcript variant (1).
Genome position (GRCh38, 1-based): chr22:29,694,753, T>A. VCF-style: chr22-29694753-T-A. GRCh37 (hg19) VCF-style: chr22-30090742-T-A.
Other names: c.1625T>A, p.Leu542His (NM_001407053.1); c.1616T>A, p.Leu539His (NM_001407054.1); c.1613T>A, p.Leu538His (NM_001407055.1); c.*11T>A (NM_001407056.1, NM_001407059.1, NM_001407065.1 and 5 more transcripts); c.1604T>A, p.Leu535His (NM_001407057.1); c.*26T>A (NM_001407058.1, NM_001407063.1, NM_181832.3); c.1576T>A, p.Ser526Thr (NM_001407060.1); c.1481T>A, p.Leu494His (NM_001407062.1); and 2 more; short protein forms L150H, L539H, L542H, L580H, L494H, L538H, S526T, L535H.
Identifiers: ClinVar variation 5025724 (VCV005025724.1).

ClinVar aggregate classification (germline): Uncertain significance (1 of 4 stars; one submission).

Conditions:
Hereditary cancer-predisposing syndrome. Also called: Neoplastic Syndromes, Hereditary; Tumor predisposition; Hereditary neoplastic syndrome; Hereditary Cancer Syndrome. Identifiers: Orphanet 140162, MedGen C0027672, MeSH D009386, MONDO:0015356.

Submission:

Ambry Genetics
Classification: Uncertain significance for Hereditary cancer-predisposing syndrome. Last evaluated: 2026-09-07. Review status: criteria provided, single submitter. Criteria: Ambry Variant Classification Scheme 2023. Collection method: clinical testing. Allele origin: germline.
Comment: The p.L580H variant (also known as c.1739T>A), located in coding exon 16 of the NF2 gene, results from a T to A substitution at nucleotide position 1739. The leucine at codon 580 is replaced by histidine, an amino acid with similar properties. This amino acid position is conserved. In addition, this alteration is predicted to be deleterious by in silico analysis. Based on the available evidence, the clinical significance of this variant remains unclear.